The following is an entry in ClinVar:

ClinVar aggregate classification (germline): Uncertain significance. Review status: criteria provided, multiple submitters, no conflicts (2 of 4 stars). 2 submissions from 2 submitters: Uncertain significance (2). Last evaluated 2024-04-18.

Conditions:
Autosomal recessive limb-girdle muscular dystrophy type 2J (LGMDR10). Also called: Limb-girdle muscular dystrophy, type 2J; MUSCULAR DYSTROPHY, LIMB-GIRDLE, AUTOSOMAL RECESSIVE 10. Identifiers: Orphanet 140922, MedGen C1837342, MONDO:0012127, OMIM 608807.

Submissions (2):

GeneDx
Classification: Uncertain significance. Last evaluated: 2024-04-18. Review status: criteria provided, single submitter. Criteria: GeneDx Variant Classification Process June 2021. Collection method: clinical testing. Allele origin: germline. Affected: yes.
Comment: Not observed at significant frequency in large population cohorts (gnomAD); Missense variant in a gene in which most reported pathogenic variants are truncating/loss of function; Has not been previously published as pathogenic or benign to our knowledge; This variant is associated with the following publications: (PMID: 23975875)

3billion
Classification: Uncertain significance for Autosomal recessive limb-girdle muscular dystrophy type 2J. Last evaluated: 2023-02-23. Review status: criteria provided, single submitter. Criteria: ACMG Guidelines, 2015. Collection method: clinical testing. Allele origin: unknown. Affected: yes.
Comment: The variant is not observed in the gnomAD v2.1.1 dataset. Protein truncation variants are a common disease-causing mechanism. In silico tool predictions suggest damaging effect of the variant on gene or gene product (REVEL: 0.93; 3Cnet: 0.56). Therefore, this variant is classified as VUS according to the recommendation of ACMG/AMP guideline.

NM_001267550.2(TTN):c.3972G>C (p.Trp1324Cys)

Genes: TTN (titin; minus strand), LOC101927055 (uncharacterized LOC101927055; plus strand). Cytogenetic location: 2q31.2.
Variant type: single nucleotide variant.
Coding change: c.3972G>C on transcript NM_001267550.2 (MANE Select); coding-DNA position 3972, G replaced by C.
Protein change: p.Trp1324Cys; replaces tryptophan 1324 with cysteine.
Molecular consequence: missense variant.
Genome position (GRCh38, 1-based): chr2:178,779,110, C>G on the plus strand (G>C on the coding strand, the complement: TTN is on the minus strand). VCF-style: chr2-178779110-C-G. GRCh37 (hg19) VCF-style: chr2-179643837-C-G.
Other names: c.3972G>C, p.Trp1324Cys (NM_001256850.1, NM_133378.4, NM_133379.5); c.3834G>C, p.Trp1278Cys (NM_003319.4, NM_133432.3, NM_133437.4); short protein forms W1278C, W1324C.
Identifiers: ClinVar variation 2444140 (VCV002444140.2), dbSNP rs1561323791, ClinGen allele CA349475354.